The following is an entry in ClinVar:

NM_000266.4(NDP):c.353C>A (p.Ala118Asp)

Genes: NDP (norrin cystine knot growth factor NDP; minus strand), NDP-AS1 (NDP antisense RNA 1; plus strand). Cytogenetic location: Xp11.3.
Variant type: single nucleotide variant.
Coding change: c.353C>A on transcript NM_000266.4 (MANE Select); coding-DNA position 353, C replaced by A.
Protein change: p.Ala118Asp; replaces alanine 118 with aspartic acid.
Molecular consequence: missense variant. On other transcripts: non-coding transcript variant (1).
Genome position (GRCh38, 1-based): chrX:43,949,848, G>T on the plus strand (C>A on the coding strand, the complement: NDP is on the minus strand). VCF-style: chrX-43949848-G-T. GRCh37 (hg19) VCF-style: chrX-43809094-G-T.
Other names: short protein forms A118D.
Identifiers: ClinVar variation 4710741 (VCV004710741.2).
Genomic context (GRCh38, chrX:43,949,848, plus strand): 5'-AGCAGCGGGCCTCAGGAATTGCATTCCTCGCAGTGACAGGAGAGGATGTACCGGTAGGTG[G>T]CAGTGAGTCGCATGCCCCCTGAGCATCGCAGCCGCAGTGCCTTCAGCTTGGAAGTCTGGG-3'
Protein context (NP_000257.1, residues 108-128): LRCSGGMRLT[Ala118Asp]TYRYILSCHC

ClinVar aggregate classification (germline): Pathogenic/Likely pathogenic. Review status: criteria provided, multiple submitters, no conflicts (2 of 4 stars). 2 submissions from 2 submitters: Pathogenic (1); Likely pathogenic (1). Last evaluated 2025-07-31.

Conditions:
NDP-related disorders.

Submissions (2):

Labcorp Genetics (formerly Invitae), Labcorp
Classification: Pathogenic. Last evaluated: 2025-07-31. Review status: criteria provided, single submitter. Criteria: Invitae Variant Classification Sherloc (09022015). Collection method: clinical testing. Allele origin: germline.
Comment: This sequence change replaces alanine, which is neutral and non-polar, with aspartic acid, which is acidic and polar, at codon 118 of the NDP protein (p.Ala118Asp). This variant is not present in population databases (gnomAD no frequency). This missense change has been observed in individual(s) with exudative vitreoretinopathy (PMID: 10544980). It has also been observed to segregate with disease in related individuals. Invitae Evidence Modeling of protein sequence and biophysical properties (such as structural, functional, and spatial information, amino acid conservation, physicochemical variation, residue mobility, and thermodynamic stability) has been performed for this missense variant. However, the output from this modeling did not meet the statistical confidence thresholds required to predict the impact of this variant on NDP protein function. For these reasons, this variant has been classified as Pathogenic.

Blueprint Genetics
Classification: Likely pathogenic for NDP-related disorders. Last evaluated: 2021-09-15. Review status: criteria provided, single submitter. Criteria: ACMG Guidelines, 2015. Collection method: clinical testing. Allele origin: germline. Affected: yes. Observed: 1 variant allele.

Literature cited by the submitters: PubMed 10544980 (cited by Labcorp Genetics (formerly Invitae), Labcorp).